The following is an entry in ClinVar:

NM_001082971.2(DDC):c.323G>A (p.Ser108Asn)

Genes: DDC (dopa decarboxylase; minus strand), DDC-AS1 (DDC antisense RNA 1; plus strand). Cytogenetic location: 7p12.1.
Variant type: single nucleotide variant.
Coding change: c.323G>A on transcript NM_001082971.2 (MANE Select); coding-DNA position 323, G replaced by A.
Protein change: p.Ser108Asn; replaces serine 108 with asparagine.
Molecular consequence: missense variant. On other transcripts: intron variant (1).
Genome position (GRCh38, 1-based): chr7:50,537,972, C>T on the plus strand (G>A on the coding strand, the complement: DDC is on the minus strand). VCF-style: chr7-50537972-C-T. GRCh37 (hg19) VCF-style: chr7-50605670-C-T.
Other names: c.323G>A, p.Ser108Asn (NM_000790.4, NM_001242887.2, NM_001242889.2 and 1 more transcripts); c.209G>A, p.Ser70Asn (NM_001242886.2); c.201+5913G>A (NM_001242888.2); c.323G>A (NM_000790.3); short protein forms S108N, S70N.
Identifiers: ClinVar variation 2735025 (VCV002735025.3), dbSNP rs2044473963, ClinGen allele CA367528688.

ClinVar aggregate classification (germline): Conflicting classifications of pathogenicity. Review status: criteria provided, conflicting classifications (1 of 4 stars). 3 submissions from 3 submitters: Likely pathogenic (1); Uncertain significance (2). Last evaluated 2026-03-27.

Conditions:
Deficiency of aromatic-L-amino-acid decarboxylase. Also called: AADC DEFICIENCY; DDC DEFICIENCY; DOPA DECARBOXYLASE DEFICIENCY; Aromatic L-Amino Acid Decarboxylase Deficiency; Aromatic amino acid decarboxylase deficiency. Identifiers: Orphanet 35708, MedGen C1291564, MONDO:0012084, OMIM 608643.

Allele frequency attached by ClinVar (database versions not stated): gnomAD exomes 0.00001; TOPMed below 0.00001.
gnomAD v4.1: 9 of 1,614,178 alleles (0.00056%); highest among the groups gnomAD compares: African/African-American, 0.0013%; no homozygotes.

Submissions (3):

Women's Health and Genetics/Laboratory Corporation of America, LabCorp
Classification: Uncertain significance. Last evaluated: 2026-03-27. Review status: criteria provided, single submitter. Criteria: LabCorp Variant Classification Summary - May 2015. Collection method: clinical testing. Allele origin: germline.
Comment: Variant summary: DDC c.323G>A (p.Ser108Asn) results in a conservative amino acid change in the encoded protein sequence. Algorithms developed to predict the effect of missense changes on protein structure and function are either unavailable or do not agree on the potential impact of this missense change. The variant was absent in 251446 control chromosomes (gnomAD). The available data on variant occurrences in the general population are insufficient to allow any conclusion about variant significance. c.323G>A has been observed in an individual(s) affected with Deficiency Of Aromatic-L-Amino-Acid Decarboxylase (Yubero_2016). These data do not allow any conclusion about variant significance. To our knowledge, no experimental evidence demonstrating an impact on protein function has been reported. A different variant affecting the same codon has been classified as likely pathogenic by our lab (c.322A>C, p.Ser108Arg), supporting the critical relevance of codon 108 to DDC protein function. The following publications have been ascertained in the context of this evaluation (PMID: 27243974, 32369189, 37348148). ClinVar contains an entry for this variant (Variation ID: 2735025). Based on the evidence outlined above, the variant was classified as VUS-possibly pathogenic.

GeneDx
Classification: Likely pathogenic. Last evaluated: 2023-11-17. Review status: criteria provided, single submitter. Criteria: GeneDx Variant Classification Process June 2021. Collection method: clinical testing. Allele origin: germline. Affected: yes.
Comment: Not observed at significant frequency in large population cohorts (gnomAD); In silico analysis supports that this missense variant has a deleterious effect on protein structure/function; This variant is associated with the following publications: (PMID: 36427457, 32369189, 27243974)

Labcorp Genetics (formerly Invitae), Labcorp
Classification: Uncertain significance for Deficiency of aromatic-L-amino-acid decarboxylase. Last evaluated: 2023-08-04. Review status: criteria provided, single submitter. Criteria: Invitae Variant Classification Sherloc (09022015). Collection method: clinical testing. Allele origin: germline.
Comment: In summary, the available evidence is currently insufficient to determine the role of this variant in disease. Therefore, it has been classified as a Variant of Uncertain Significance. Advanced modeling of protein sequence and biophysical properties (such as structural, functional, and spatial information, amino acid conservation, physicochemical variation, residue mobility, and thermodynamic stability) performed at Invitae indicates that this missense variant is not expected to disrupt DDC protein function. This missense change has been observed in individual(s) with aromatic L-amino acid decarboxylase deficiency (PMID: 27243974). In at least one individual the data is consistent with being in trans (on the opposite chromosome) from a pathogenic variant. This variant is not present in population databases (gnomAD no frequency). This sequence change replaces serine, which is neutral and polar, with asparagine, which is neutral and polar, at codon 108 of the DDC protein (p.Ser108Asn).

Literature cited by the submitters: PubMed 27243974 (cited by Women's Health and Genetics/Laboratory Corporation of America, LabCorp and Labcorp Genetics (formerly Invitae), Labcorp); PubMed 32369189 (cited by Women's Health and Genetics/Laboratory Corporation of America, LabCorp); PubMed 37348148 (cited by Women's Health and Genetics/Laboratory Corporation of America, LabCorp).